The following is an entry in ClinVar:

ClinVar aggregate classification (germline): Pathogenic/Likely pathogenic. Review status: criteria provided, multiple submitters, no conflicts (2 of 4 stars). 4 submissions from 4 submitters: Pathogenic (3); Likely pathogenic (1). Last evaluated 2025-12-14.

Conditions:
Hereditary cancer-predisposing syndrome. Also called: Hereditary Cancer Syndrome; Hereditary neoplastic syndrome; Neoplastic Syndromes, Hereditary; Tumor predisposition. Identifiers: Orphanet 140162, MedGen C0027672, MeSH D009386, MONDO:0015356.
Microcephaly, normal intelligence and immunodeficiency (NBS). Also called: SEEMANOVA SYNDROME II; Ataxia telangiectasia variant V1; Immunodeficiency, microcephaly with normal intelligence; Nijmegen breakage syndrome; Microcephaly with normal intelligence immunodeficiency and lymphoreticular malignancies; Nonsyndromal microcephaly autosomal recessive with normal intelligence. Identifiers: Orphanet 647, MedGen C0398791, MONDO:0009623, OMIM 251260.
Aplastic anemia. Identifiers: Orphanet 182040, Orphanet 88, MedGen C0002874, MONDO:0015909, OMIM 609135, HP:0001915.

Submissions (4):

Labcorp Genetics (formerly Invitae), Labcorp
Classification: Pathogenic for Microcephaly, normal intelligence and immunodeficiency. Last evaluated: 2025-12-14. Review status: criteria provided, single submitter. Criteria: Invitae Variant Classification Sherloc (09022015). Collection method: clinical testing. Allele origin: germline.
Comment: This sequence change creates a premature translational stop signal (p.Lys613*) in the NBN gene. It is expected to result in an absent or disrupted protein product. Loss-of-function variants in NBN are known to be pathogenic (PMID: 9590180, 16415040). This variant is not present in population databases (gnomAD no frequency). This variant has not been reported in the literature in individuals affected with NBN-related conditions. ClinVar contains an entry for this variant (Variation ID: 1353264). For these reasons, this variant has been classified as Pathogenic.

Myriad Genetics, Inc.
Classification: Pathogenic for Microcephaly, normal intelligence and immunodeficiency. Last evaluated: 2025-07-07. Review status: criteria provided, single submitter. Criteria: Myriad Autosomal Dominant, Autosomal Recessive and X-Linked Classification Criteria (2023). Collection method: clinical testing. Allele origin: unknown.
Comment: NM_002485.4(NBN):c.1837A>T(K613*) is expected to be pathogenic in the context of Nijmegen breakage syndrome. This variant is predicted to lead to an abnormal or absent protein product due to the creation of a premature termination codon in NBN, a gene where loss-of-function variants are known to be pathogenic. Please note: this variant was assessed in the context of healthy population screening.

Baylor Genetics
Classification: Likely pathogenic for Aplastic anemia. Last evaluated: 2024-01-26. Review status: criteria provided, single submitter. Criteria: ACMG Guidelines, 2015. Collection method: clinical testing. Allele origin: unknown.

Ambry Genetics
Classification: Pathogenic for Hereditary cancer-predisposing syndrome. Last evaluated: 2023-03-16. Review status: criteria provided, single submitter. Criteria: Ambry Variant Classification Scheme 2023. Collection method: clinical testing. Allele origin: germline.
Comment: The p.K613* pathogenic mutation (also known as c.1837A>T), located in coding exon 11 of the NBN gene, results from an A to T substitution at nucleotide position 1837. This changes the amino acid from a lysine to a stop codon within coding exon 11. This alteration is expected to result in loss of function by premature protein truncation or nonsense-mediated mRNA decay. As such, this alteration is interpreted as a disease-causing mutation.

Literature cited by the submitters: PubMed 9590180 (cited by Labcorp Genetics (formerly Invitae), Labcorp); PubMed 16415040 (cited by Labcorp Genetics (formerly Invitae), Labcorp).

NM_002485.5(NBN):c.1837A>T (p.Lys613Ter)

Gene: NBN (nibrin; minus strand). Cytogenetic location: 8q21.3.
Variant type: single nucleotide variant.
Coding change: c.1837A>T on transcript NM_002485.5 (MANE Select); coding-DNA position 1837, A replaced by T.
Protein change: p.Lys613Ter; replaces lysine 613 with a stop codon.
Molecular consequence: nonsense.
Genome position (GRCh38, 1-based): chr8:89,953,252, T>A on the plus strand (A>T on the coding strand, the complement: NBN is on the minus strand). VCF-style: chr8-89953252-T-A. GRCh37 (hg19) VCF-style: chr8-90965480-T-A.
Other names: c.1591A>T, p.Lys531Ter (NM_001024688.3); short protein forms K613*, K531*.
Identifiers: ClinVar variation 1353264 (VCV001353264.10), dbSNP rs1554558199, ClinGen allele CA371654977.